The following is an entry in ClinVar:

ClinVar aggregate classification (germline): Uncertain significance (1 of 4 stars; one submission).

Allele frequency attached by ClinVar (database versions not stated): ExAC 0.00004.
gnomAD v4.1: 33 of 1,612,926 alleles (0.002%); highest among the groups gnomAD compares: South Asian, 0.0088%; no homozygotes.

Submission:

Labcorp Genetics (formerly Invitae), Labcorp
Classification: Uncertain significance. Last evaluated: 2023-02-04. Review status: criteria provided, single submitter. Criteria: Invitae Variant Classification Sherloc (09022015). Collection method: clinical testing. Allele origin: germline.
Comment: In summary, the available evidence is currently insufficient to determine the role of this variant in disease. Therefore, it has been classified as a Variant of Uncertain Significance. Algorithms developed to predict the effect of missense changes on protein structure and function (SIFT, PolyPhen-2, Align-GVGD) all suggest that this variant is likely to be tolerated. This variant has not been reported in the literature in individuals affected with MRPS2-related conditions. This variant is present in population databases (rs111392067, gnomAD 0.01%). This sequence change replaces arginine, which is basic and polar, with histidine, which is basic and polar, at codon 272 of the MRPS2 protein (p.Arg272His).

NM_016034.5(MRPS2):c.815G>A (p.Arg272His)

Genes: MRPS2 (mitochondrial ribosomal protein S2; plus strand), LOC101928525 (uncharacterized LOC101928525; minus strand). Cytogenetic location: 9q34.3.
Variant type: single nucleotide variant.
Coding change: c.815G>A on transcript NM_016034.5 (MANE Select); coding-DNA position 815, G replaced by A.
Protein change: p.Arg272His; replaces arginine 272 with histidine.
Molecular consequence: missense variant. On other transcripts: non-coding transcript variant (4).
Genome position (GRCh38, 1-based): chr9:135,504,057, G>A. VCF-style: chr9-135504057-G-A. GRCh37 (hg19) VCF-style: chr9-138395903-G-A.
Other names: c.815G>A, p.Arg272His (NM_001371401.1); short protein forms R272H.
Identifiers: ClinVar variation 3016172 (VCV003016172.3), dbSNP rs111392067, ClinGen allele CA5324036.